The following is an entry in ClinVar:

ClinVar aggregate classification (germline): Uncertain significance (1 of 4 stars; one submission).

Conditions:
Hereditary cancer-predisposing syndrome. Also called: Neoplastic Syndromes, Hereditary; Tumor predisposition; Hereditary Cancer Syndrome; Hereditary neoplastic syndrome. Identifiers: Orphanet 140162, MedGen C0027672, MeSH D009386, MONDO:0015356.

Allele frequency attached by ClinVar (database versions not stated): gnomAD 0.00001.

Submission:

Ambry Genetics
Classification: Uncertain significance for Hereditary cancer-predisposing syndrome. Last evaluated: 2026-04-27. Review status: criteria provided, single submitter. Criteria: Ambry Variant Classification Scheme 2023. Collection method: clinical testing. Allele origin: germline.
Comment: The p.G490V variant (also known as c.1469G>T), located in coding exon 10 of the FH gene, results from a G to T substitution at nucleotide position 1469. The glycine at codon 490 is replaced by valine, an amino acid with dissimilar properties. This amino acid position is highly conserved in available vertebrate species. In addition, this alteration is predicted to be deleterious by in silico analysis. Based on the available evidence, the clinical significance of this variant remains unclear.

NM_000143.4(FH):c.1469G>T (p.Gly490Val)

Gene: FH (fumarate hydratase; minus strand). Cytogenetic location: 1q43.
Variant type: single nucleotide variant.
Coding change: c.1469G>T on transcript NM_000143.4 (MANE Select); coding-DNA position 1469, G replaced by T.
Protein change: p.Gly490Val; replaces glycine 490 with valine.
Molecular consequence: missense variant.
Genome position (GRCh38, 1-based): chr1:241,497,892, C>A on the plus strand (G>T on the coding strand, the complement: FH is on the minus strand). VCF-style: chr1-241497892-C-A. GRCh37 (hg19) VCF-style: chr1-241661192-C-A.
Other names: short protein forms G490V.
Identifiers: ClinVar variation 3230440 (VCV003230440.2), dbSNP rs1659663769, ClinGen allele CA345450508.